The following is an entry in ClinVar:

NM_133368.3(RSPRY1):c.631G>A (p.Glu211Lys)

Gene: RSPRY1 (ring finger and SPRY domain containing 1; plus strand). Cytogenetic location: 16q13.
Variant type: single nucleotide variant.
Coding change: c.631G>A on transcript NM_133368.3 (MANE Select); coding-DNA position 631, G replaced by A.
Protein change: p.Glu211Lys; replaces glutamic acid 211 with lysine.
Molecular consequence: missense variant.
Genome position (GRCh38, 1-based): chr16:57,213,086, G>A. VCF-style: chr16-57213086-G-A. GRCh37 (hg19) VCF-style: chr16-57246998-G-A.
Other names: c.631G>A, p.Glu211Lys (NM_001305163.2, NM_001305164.2); short protein forms E211K.
Identifiers: ClinVar variation 1496481 (VCV001496481.6), dbSNP rs1028944041, ClinGen allele CA281532478.

ClinVar aggregate classification (germline): Uncertain significance (1 of 4 stars; one submission).

Allele frequency attached by ClinVar (database versions not stated): gnomAD 0.00001; gnomAD exomes 0.00001; TOPMed 0.00001.
gnomAD v4.1: 5 of 1,612,058 alleles (0.00031%); highest among the groups gnomAD compares: South Asian, 0.0011%; no homozygotes.

Submission:

Labcorp Genetics (formerly Invitae), Labcorp
Classification: Uncertain significance. Last evaluated: 2022-11-22. Review status: criteria provided, single submitter. Criteria: Invitae Variant Classification Sherloc (09022015). Collection method: clinical testing. Allele origin: germline.
Comment: In summary, the available evidence is currently insufficient to determine the role of this variant in disease. Therefore, it has been classified as a Variant of Uncertain Significance. Advanced modeling of protein sequence and biophysical properties (such as structural, functional, and spatial information, amino acid conservation, physicochemical variation, residue mobility, and thermodynamic stability) performed at Invitae indicates that this missense variant is not expected to disrupt RSPRY1 protein function. ClinVar contains an entry for this variant (Variation ID: 1496481). This variant has not been reported in the literature in individuals affected with RSPRY1-related conditions. This variant is not present in population databases (gnomAD no frequency). This sequence change replaces glutamic acid, which is acidic and polar, with lysine, which is basic and polar, at codon 211 of the RSPRY1 protein (p.Glu211Lys).